The following is an entry in ClinVar:

NM_017636.4(TRPM4):c.51G>T (p.Lys17Asn)

Gene: TRPM4 (transient receptor potential cation channel subfamily M member 4; plus strand). Cytogenetic location: 19q13.33.
Variant type: single nucleotide variant.
Coding change: c.51G>T on transcript NM_017636.4 (MANE Select); coding-DNA position 51, G replaced by T.
Protein change: p.Lys17Asn; replaces lysine 17 with asparagine.
Molecular consequence: missense variant. On other transcripts: 5 prime UTR variant (3).
Genome position (GRCh38, 1-based): chr19:49,158,218, G>T. VCF-style: chr19-49158218-G-T. GRCh37 (hg19) VCF-style: chr19-49661475-G-T.
Other names: c.51G>T, p.Lys17Asn (NM_001195227.2, NM_001321281.2); c.-1322G>T (NM_001321282.2); c.-116G>T (NM_001321283.2); c.-279G>T (NM_001321285.2); short protein forms K17N.
Identifiers: ClinVar variation 2124933 (VCV002124933.4), dbSNP rs2514024591, ClinGen allele CA406787972.

ClinVar aggregate classification (germline): Uncertain significance (1 of 4 stars; one submission).

Conditions:
Progressive familial heart block type IB (PFHB1B). Identifiers: Orphanet 871, MedGen C1970298, MONDO:0011474, OMIM 604559.

Allele frequency attached by ClinVar (database versions not stated): gnomAD exomes below 0.00001.
gnomAD v4.1: 2 of 1,613,860 alleles (0.00012%); highest among the groups gnomAD compares: Non-Finnish European, 0.00017%; no homozygotes.

Submission:

Labcorp Genetics (formerly Invitae), Labcorp
Classification: Uncertain significance for Progressive familial heart block type IB. Last evaluated: 2022-05-03. Review status: criteria provided, single submitter. Criteria: Invitae Variant Classification Sherloc (09022015). Collection method: clinical testing. Allele origin: germline.
Comment: This variant is not present in population databases (gnomAD no frequency). This sequence change replaces lysine, which is basic and polar, with asparagine, which is neutral and polar, at codon 17 of the TRPM4 protein (p.Lys17Asn). This variant has not been reported in the literature in individuals affected with TRPM4-related conditions. Algorithms developed to predict the effect of missense changes on protein structure and function are either unavailable or do not agree on the potential impact of this missense change (SIFT: "Deleterious"; PolyPhen-2: "Probably Damaging"; Align-GVGD: "Class C0"). In summary, the available evidence is currently insufficient to determine the role of this variant in disease. Therefore, it has been classified as a Variant of Uncertain Significance.